The following is an entry in ClinVar:

ClinVar aggregate classification (germline): Pathogenic. Review status: criteria provided, multiple submitters, no conflicts (2 of 4 stars). 2 submissions from 2 submitters: Pathogenic (2). Last evaluated 2026-01-27.

Conditions:
Developmental and epileptic encephalopathy, 12 (DEE12). Identifiers: MedGen C3150988, MONDO:0013389, OMIM 613722.
Ataxia - oculomotor apraxia type 4. Identifiers: Orphanet 459033, MedGen C4225397, MONDO:0014557, OMIM 616267.

Submissions (2):

Women's Health and Genetics/Laboratory Corporation of America, LabCorp
Classification: Pathogenic for Ataxia - oculomotor apraxia type 4. Last evaluated: 2026-01-27. Review status: criteria provided, single submitter. Criteria: LabCorp Variant Classification Summary - May 2015. Collection method: clinical testing. Allele origin: germline.
Comment: Variant summary: PNKP c.394_395delGA (p.Asp132CysfsX2) results in a premature termination codon, predicted to cause absence of the protein due to nonsense mediated decay, which is a commonly known mechanism for disease. The variant allele was found at a frequency of 4e-06 in 251412 control chromosomes. To our knowledge, no occurrence of c.394_395delGA in individuals affected with PNKP-related conditions and no experimental evidence demonstrating its impact on protein function have been reported. ClinVar contains an entry for this variant (Variation ID: 2086105). Based on the evidence outlined above, the variant was classified as pathogenic.

Labcorp Genetics (formerly Invitae), Labcorp
Classification: Pathogenic for Developmental and epileptic encephalopathy, 12. Last evaluated: 2026-01-18. Review status: criteria provided, single submitter. Criteria: Invitae Variant Classification Sherloc (09022015). Collection method: clinical testing. Allele origin: germline.
Comment: This sequence change creates a premature translational stop signal (p.Asp132Cysfs*2) in the PNKP gene. It is expected to result in an absent or disrupted protein product. Loss-of-function variants in PNKP are known to be pathogenic (PMID: 20118933, 25728773). This variant is present in population databases (rs780834499, gnomAD 0.0009%). This variant has not been reported in the literature in individuals affected with PNKP-related conditions. For these reasons, this variant has been classified as Pathogenic.

Literature cited by the submitters: PubMed 20118933 (cited by Labcorp Genetics (formerly Invitae), Labcorp); PubMed 25728773 (cited by Labcorp Genetics (formerly Invitae), Labcorp).

NM_007254.4(PNKP):c.394_395del (p.Asp132fs)

Gene: PNKP (polynucleotide kinase 3'-phosphatase; minus strand). Cytogenetic location: 19q13.33.
Variant type: Microsatellite.
Coding change: c.394_395del on transcript NM_007254.4 (MANE Select); coding-DNA positions 394 to 395, 2 bases deleted (GA; older notation c.394_395delGA).
Protein change: p.Asp132fs; shifts the reading frame from aspartic acid 132.
Molecular consequence: frameshift variant.
Genome position (GRCh38, 1-based): chr19:49,865,230-49,865,231, TC deleted on the plus strand (GA on the coding strand, the reverse complement: PNKP is on the minus strand); deleting any 2 consecutive bases within chr19:49,865,230-49,865,236 gives the same sequence; the c. name uses the placement nearest the transcript's 3' end. VCF-style (leftmost placement, unchanged base first): chr19-49865229-ATC-A. GRCh37 (hg19) VCF-style: chr19-50368486-ATC-A.
Other names: c.394_395delGA (NM_007254.4); short protein forms D132fs.
Identifiers: ClinVar variation 2086105 (VCV002086105.5), dbSNP rs780834499, ClinGen allele CA9586959.